The following is an entry in ClinVar:

ClinVar aggregate classification (germline): Uncertain significance (1 of 4 stars; one submission).

Submission:

GeneDx
Classification: Uncertain significance. Last evaluated: 2022-04-22. Review status: criteria provided, single submitter. Criteria: GeneDx Variant Classification Process June 2021. Collection method: clinical testing. Allele origin: germline. Affected: yes.
Comment: Not observed at significant frequency in large population cohorts (gnomAD); In silico analysis supports that this missense variant has a deleterious effect on protein structure/function; Has not been previously published as pathogenic or benign to our knowledge

NM_005445.4(SMC3):c.3308C>T (p.Thr1103Ile)

Gene: SMC3 (structural maintenance of chromosomes 3; plus strand). Cytogenetic location: 10q25.2.
Variant type: single nucleotide variant.
Coding change: c.3308C>T on transcript NM_005445.4 (MANE Select); coding-DNA position 3308, C replaced by T.
Protein change: p.Thr1103Ile; replaces threonine 1103 with isoleucine.
Molecular consequence: missense variant.
Genome position (GRCh38, 1-based): chr10:110,602,835, C>T. VCF-style: chr10-110602835-C-T. GRCh37 (hg19) VCF-style: chr10-112362593-C-T.
Other names: short protein forms T1103I.
Identifiers: ClinVar variation 1712532 (VCV001712532.2), dbSNP rs1450850953, ClinGen allele CA378394957.
Genomic context (GRCh38, chr10:110,602,835, plus strand): 5'-GTGGTGATTCTGCCCTTTAGGATATTAACTCATAATATGTTTATTTTTAGGTGTCATTTA[C>T]AGGAAAACAAGGTGAAATGAGAGAAATGCAACAGCTTTCAGGTGGACAGAAATCCTTGGT-3'
Protein context (NP_005436.1, residues 1093-1113): FTGVGIRVSF[Thr1103Ile]GKQGEMREMQ